The following is an entry in ClinVar:

NM_002454.3(MTRR):c.1136T>G (p.Ile379Ser)

Gene: MTRR (5-methyltetrahydrofolate-homocysteine methyltransferase reductase; plus strand). Cytogenetic location: 5p15.31.
Variant type: single nucleotide variant.
Coding change: c.1136T>G on transcript NM_002454.3 (MANE Select); coding-DNA position 1136, T replaced by G.
Protein change: p.Ile379Ser; replaces isoleucine 379 with serine.
Molecular consequence: missense variant. On other transcripts: non-coding transcript variant (12).
Genome position (GRCh38, 1-based): chr5:7,886,693, T>G. VCF-style: chr5-7886693-T-G. GRCh37 (hg19) VCF-style: chr5-7886806-T-G.
Other names: c.1136T>G, p.Ile379Ser (NM_001364440.2, NM_001364441.2, NM_001364442.2 and 1 more transcripts); short protein forms I379S.
Identifiers: ClinVar variation 1440689 (VCV001440689.5), dbSNP rs1243456483, ClinGen allele CA359158247.

ClinVar aggregate classification (germline): Uncertain significance (1 of 4 stars; one submission).

Conditions:
Methylcobalamin deficiency type cblE (HMAE). Also called: HOMOCYSTINURIA-MEGALOBLASTIC ANEMIA, cblE COMPLEMENTATION TYPE; HOMOCYSTINURIA-MEGALOBLASTIC ANEMIA, cblE TYPE; VITAMIN B12-RESPONSIVE HOMOCYSTINURIA, cblE TYPE. Identifiers: Orphanet 2169, Orphanet 622, MedGen C1856057, MONDO:0009354, OMIM 236270.

Allele frequency attached by ClinVar (database versions not stated): gnomAD exomes below 0.00001; gnomAD 0.00001; TOPMed 0.00001.

Submission:

Labcorp Genetics (formerly Invitae), Labcorp
Classification: Uncertain significance for Methylcobalamin deficiency type cblE. Last evaluated: 2022-07-05. Review status: criteria provided, single submitter. Criteria: Invitae Variant Classification Sherloc (09022015). Collection method: clinical testing. Allele origin: germline.
Comment: This sequence change replaces isoleucine, which is neutral and non-polar, with serine, which is neutral and polar, at codon 379 of the MTRR protein (p.Ile379Ser). This variant is present in population databases (no rsID available, gnomAD 0.007%). This variant has not been reported in the literature in individuals affected with MTRR-related conditions. ClinVar contains an entry for this variant (Variation ID: 1440689). Algorithms developed to predict the effect of missense changes on protein structure and function are either unavailable or do not agree on the potential impact of this missense change (SIFT: "Deleterious"; PolyPhen-2: "Benign"; Align-GVGD: "Class C0"). In summary, the available evidence is currently insufficient to determine the role of this variant in disease. Therefore, it has been classified as a Variant of Uncertain Significance.